The following is an entry in ClinVar:

ClinVar aggregate classification (germline): Benign/Likely benign. Review status: criteria provided, multiple submitters, no conflicts (2 of 4 stars). 10 submissions from 9 submitters: Benign (8); Likely benign (2). Last evaluated 2026-02-04.

Conditions:
Fibromuscular dysplasia, multifocal. Identifiers: MedGen C5543412, MONDO:0859151, OMIM 619329.
Ehlers-Danlos syndrome, classic type, 1 (EDSCL1). Also called: Ehlers-Danlos syndrome, type 1; EHLERS-DANLOS SYNDROME, GRAVIS TYPE; EHLERS-DANLOS SYNDROME, SEVERE CLASSIC TYPE; Ehlers-Danlos Syndrome, Classic Type, COL5A1-Related; EDS I. Identifiers: MedGen C0268335, MONDO:0019567, OMIM 130000.
Ehlers-Danlos syndrome, classic type (cEDS). Identifiers: Orphanet 287, MedGen C4225429, MONDO:0007522.

Allele frequency attached by ClinVar (database versions not stated): gnomAD exomes 0.00036 and 0.00082; ExAC 0.00097; 1000 Genomes Project 0.00319; gnomAD 0.00330 and 0.00360; 1000 Genomes Project 30x 0.00359; TOPMed 0.00360; ESP Exome Variant Server 0.00377.
gnomAD v4.1: 1,024 of 1,613,064 alleles (0.063%); highest among the groups gnomAD compares: African/African-American, 1.2%; 3 homozygotes.

Submissions (10):

Labcorp Genetics (formerly Invitae), Labcorp
Classification: Benign for Ehlers-Danlos syndrome, classic type, 1. Last evaluated: 2026-02-04. Review status: criteria provided, single submitter. Criteria: Invitae Variant Classification Sherloc (09022015). Collection method: clinical testing. Allele origin: germline.

ARUP Laboratories, Molecular Genetics and Genomics, ARUP Laboratories
Classification: Benign. Last evaluated: 2025-03-26. Review status: criteria provided, single submitter. Criteria: ARUP Molecular Germline Variant Investigation Process 2024. Collection method: clinical testing. Allele origin: germline.

Blueprint Genetics
Classification: Likely benign. Last evaluated: 2024-08-06. Review status: criteria provided, single submitter. Criteria: ACMG Guidelines, 2015. Collection method: clinical testing. Allele origin: germline.

Women's Health and Genetics/Laboratory Corporation of America, LabCorp
Classification: Benign. Last evaluated: 2023-08-10. Review status: criteria provided, single submitter. Criteria: LabCorp Variant Classification Summary - May 2015. Collection method: clinical testing. Allele origin: germline.

Genome-Nilou Lab
Classification: Benign for Ehlers-Danlos syndrome, classic type, 1. Last evaluated: 2022-03-15. Review status: criteria provided, single submitter. Criteria: ACMG Guidelines, 2015. Collection method: clinical testing. Allele origin: germline. Affected: no.

Genome-Nilou Lab
Classification: Benign for Fibromuscular dysplasia, multifocal. Last evaluated: 2022-03-15. Review status: criteria provided, single submitter. Criteria: ACMG Guidelines, 2015. Collection method: clinical testing. Allele origin: germline. Affected: no.

Fulgent Genetics
Classification: Likely benign for Ehlers-Danlos syndrome, classic type, 1; Fibromuscular dysplasia, multifocal. Last evaluated: 2021-09-27. Review status: criteria provided, single submitter. Criteria: ACMG Guidelines, 2015. Collection method: clinical testing. Allele origin: unknown.

Illumina Laboratory Services, Illumina
Classification: Benign for Ehlers-Danlos syndrome, classic type, 1. Last evaluated: 2018-01-13. Review status: criteria provided, single submitter. Criteria: ICSL Variant Classification Criteria 13 December 2019. Collection method: clinical testing. Allele origin: germline.
Comment: This variant was observed in the ICSL laboratory as part of a predisposition screen in an ostensibly healthy population. It had not been previously curated by ICSL or reported in the Human Gene Mutation Database (HGMD: prior to June 1st, 2018), and was therefore a candidate for classification through an automated scoring system. Utilizing variant allele frequency, disease prevalence and penetrance estimates, and inheritance mode, an automated score was calculated to assess if this variant is too frequent to cause the disease. Based on the score and internal cut-off values, a variant classified as benign is not then subjected to further curation. The score for this variant resulted in a classification of benign for this disease.

GeneDx
Classification: Benign. Last evaluated: 2013-12-26. Review status: criteria provided, single submitter. Criteria: GeneDx Variant Classification (06012015). Collection method: clinical testing. Allele origin: germline. Affected: yes.
Comment: This variant is considered likely benign or benign based on one or more of the following criteria: it is a conservative change, it occurs at a poorly conserved position in the protein, it is predicted to be benign by multiple in silico algorithms, and/or has population frequency not consistent with disease.

PreventionGenetics, part of Exact Sciences
Classification: Benign. Review status: criteria provided, single submitter. Criteria: ACMG Guidelines, 2015. Collection method: clinical testing. Allele origin: germline.

NM_000093.5(COL5A1):c.1333-8A>G

Gene: COL5A1 (collagen type V alpha 1 chain; plus strand). Cytogenetic location: 9q34.3.
Variant type: single nucleotide variant.
Coding change: c.1333-8A>G on transcript NM_000093.5 (MANE Select); 8 bases into the intron before coding-DNA position 1333, A replaced by G.
Molecular consequence: intron variant.
Genome position (GRCh38, 1-based): chr9:134,732,063, A>G. VCF-style: chr9-134732063-A-G. GRCh37 (hg19) VCF-style: chr9-137623909-A-G.
Other names: c.1333-8A>G (NM_001278074.1).
Identifiers: ClinVar variation 136929 (VCV000136929.30), dbSNP rs145620416, ClinGen allele CA290355.